The following is an entry in ClinVar:

NM_003200.5(TCF3):c.1648C>T (p.Arg550Cys)

Gene: TCF3 (transcription factor 3; minus strand). Cytogenetic location: 19p13.3.
Variant type: single nucleotide variant.
Coding change: c.1648C>T on transcript NM_003200.5 (MANE Select); coding-DNA position 1648, C replaced by T.
Protein change: p.Arg550Cys; replaces arginine 550 with cysteine.
Molecular consequence: missense variant. On other transcripts: intron variant (2).
Genome position (GRCh38, 1-based): chr19:1,615,459, G>A on the plus strand (C>T on the coding strand, the complement: TCF3 is on the minus strand). VCF-style: chr19-1615459-G-A. GRCh37 (hg19) VCF-style: chr19-1615458-G-A.
Other names: c.1645C>T, p.Arg549Cys (NM_001351778.2); c.1586+227C>T (NM_001136139.4, NM_001351779.2); short protein forms R549C, R550C.
Identifiers: ClinVar variation 1915229 (VCV001915229.5), dbSNP rs1052743, ClinGen allele CA9049663.

ClinVar aggregate classification (germline): Uncertain significance (1 of 4 stars; one submission).

Allele frequency attached by ClinVar (database versions not stated): ExAC 0.00001; gnomAD exomes 0.00001; TOPMed 0.00001.
gnomAD v4.1: 8 of 1,612,772 alleles (0.0005%); highest among the groups gnomAD compares: East Asian, 0.0022%; no homozygotes.

Submission:

Labcorp Genetics (formerly Invitae), Labcorp
Classification: Uncertain significance. Last evaluated: 2022-09-12. Review status: criteria provided, single submitter. Criteria: Invitae Variant Classification Sherloc (09022015). Collection method: clinical testing. Allele origin: germline.
Comment: This sequence change replaces arginine, which is basic and polar, with cysteine, which is neutral and slightly polar, at codon 550 of the TCF3 protein (p.Arg550Cys). This variant is present in population databases (rs1052743, gnomAD 0.006%). This variant has not been reported in the literature in individuals affected with TCF3-related conditions. Advanced modeling of protein sequence and biophysical properties (such as structural, functional, and spatial information, amino acid conservation, physicochemical variation, residue mobility, and thermodynamic stability) performed at Invitae indicates that this missense variant is expected to disrupt TCF3 protein function. In summary, the available evidence is currently insufficient to determine the role of this variant in disease. Therefore, it has been classified as a Variant of Uncertain Significance.